The following is an entry in ClinVar:

NM_004356.4(CD81):c.439G>A (p.Val147Met)

Gene: CD81 (CD81 molecule; plus strand). Cytogenetic location: 11p15.5.
Variant type: single nucleotide variant.
Coding change: c.439G>A on transcript NM_004356.4 (MANE Select); coding-DNA position 439, G replaced by A.
Protein change: p.Val147Met; replaces valine 147 with methionine.
Molecular consequence: missense variant.
Genome position (GRCh38, 1-based): chr11:2,395,500, G>A. VCF-style: chr11-2395500-G-A. GRCh37 (hg19) VCF-style: chr11-2416730-G-A.
Other names: c.226G>A, p.Val76Met (NM_001297649.2); short protein forms V147M, V76M.
Identifiers: ClinVar variation 1429891 (VCV001429891.8), dbSNP rs1344684646, ClinGen allele CA379124533.

ClinVar aggregate classification (germline): Uncertain significance (1 of 4 stars; one submission).

Allele frequency attached by ClinVar (database versions not stated): gnomAD exomes below 0.00001.
gnomAD v4.1: 1 of 1,612,654 alleles (0.000062%); highest among the groups gnomAD compares: South Asian, 0.0011%; no homozygotes.

Submission:

Labcorp Genetics (formerly Invitae), Labcorp
Classification: Uncertain significance. Last evaluated: 2023-08-04. Review status: criteria provided, single submitter. Criteria: Invitae Variant Classification Sherloc (09022015). Collection method: clinical testing. Allele origin: germline.
Comment: In summary, the available evidence is currently insufficient to determine the role of this variant in disease. Therefore, it has been classified as a Variant of Uncertain Significance. Algorithms developed to predict the effect of sequence changes on RNA splicing suggest that this variant may disrupt the consensus splice site. An algorithm developed to predict the effect of missense changes on protein structure and function (PolyPhen-2) suggests that this variant is likely to be tolerated. ClinVar contains an entry for this variant (Variation ID: 1429891). This variant has not been reported in the literature in individuals affected with CD81-related conditions. This variant is present in population databases (no rsID available, gnomAD 0.003%). This sequence change replaces valine, which is neutral and non-polar, with methionine, which is neutral and non-polar, at codon 147 of the CD81 protein (p.Val147Met).